The following is an entry in ClinVar:

NM_001572.5(IRF7):c.46G>A (p.Glu16Lys)

Gene: IRF7 (interferon regulatory factor 7; minus strand). Cytogenetic location: 11p15.5.
Variant type: single nucleotide variant.
Coding change: c.46G>A on transcript NM_001572.5 (MANE Select); coding-DNA position 46, G replaced by A.
Protein change: p.Glu16Lys; replaces glutamic acid 16 with lysine.
Molecular consequence: missense variant.
Genome position (GRCh38, 1-based): chr11:615,234, C>T on the plus strand (G>A on the coding strand, the complement: IRF7 is on the minus strand). VCF-style: chr11-615234-C-T. GRCh37 (hg19) VCF-style: chr11-615234-C-T.
Other names: c.46G>A, p.Glu16Lys (NM_004029.4); c.85G>A, p.Glu29Lys (NM_004031.4); short protein forms E16K, E29K.
Identifiers: ClinVar variation 2199315 (VCV002199315.4), dbSNP rs748516995, ClinGen allele CA5784107.
Genomic context (GRCh38, chr11:615,234, plus strand): 5'-CCTCGTCCAGCCACTGCAGCCCCTCATAGCAGCCGCTGCTGATCTCTCCAAGGAGCCACT[C>T]TCCGAACAGCACGCGTGGGGCTGCCCTGCGGGTGCCCGGCCGCGGAGAGTCAGGGCCGGC-3'
Protein context (NP_001563.2, residues 6-26): ERAAPRVLFG[Glu16Lys]WLLGEISSGC

ClinVar aggregate classification (germline): Uncertain significance (1 of 4 stars; one submission).

Conditions:
Immunodeficiency 39 (IMD39). Identifiers: Orphanet 574918, MedGen C4225358, MONDO:0014597, OMIM 616345.

Allele frequency attached by ClinVar (database versions not stated): gnomAD 0.00001; ExAC 0.00002; gnomAD exomes 0.00002; TOPMed 0.00003.
gnomAD v4.1: 30 of 1,590,714 alleles (0.0019%); highest among the groups gnomAD compares: East Asian, 0.023%; no homozygotes.

Submission:

Labcorp Genetics (formerly Invitae), Labcorp
Classification: Uncertain significance for Immunodeficiency 39. Last evaluated: 2025-10-29. Review status: criteria provided, single submitter. Criteria: Invitae Variant Classification Sherloc (09022015). Collection method: clinical testing. Allele origin: germline.
Comment: This sequence change replaces glutamic acid, which is acidic and polar, with lysine, which is basic and polar, at codon 29 of the IRF7 protein (p.Glu29Lys). This variant is present in population databases (rs748516995, gnomAD 0.03%). This variant has not been reported in the literature in individuals affected with IRF7-related conditions. ClinVar contains an entry for this variant (Variation ID: 2199315). Invitae Evidence Modeling of protein sequence and biophysical properties (such as structural, functional, and spatial information, amino acid conservation, physicochemical variation, residue mobility, and thermodynamic stability) indicates that this missense variant is not expected to disrupt IRF7 protein function with a negative predictive value of 80%. In summary, the available evidence is currently insufficient to determine the role of this variant in disease. Therefore, it has been classified as a Variant of Uncertain Significance.